The following is an entry in ClinVar:

NM_144997.7(FLCN):c.1440C>T (p.Pro480=)

Gene: FLCN (folliculin; minus strand). Cytogenetic location: 17p11.2.
Variant type: single nucleotide variant.
Coding change: c.1440C>T on transcript NM_144997.7 (MANE Select); coding-DNA position 1440, C replaced by T.
Protein change: p.Pro480=; no amino-acid change (proline 480 retained).
Molecular consequence: synonymous variant.
Genome position (GRCh38, 1-based): chr17:17,215,083, G>A on the plus strand (C>T on the coding strand, the complement: FLCN is on the minus strand). VCF-style: chr17-17215083-G-A. GRCh37 (hg19) VCF-style: chr17-17118397-G-A.
Other names: c.1494C>T, p.Pro498= (NM_001353229.2); c.1440C>T, p.Pro480= (NM_001353230.2, NM_001353231.2).
Identifiers: ClinVar variation 819225 (VCV000819225.12), dbSNP rs1597579041, ClinGen allele CA498421166.

ClinVar aggregate classification (germline): Benign/Likely benign. Review status: criteria provided, multiple submitters, no conflicts (2 of 4 stars). 3 submissions from 3 submitters: Benign (1); Likely benign (2). Last evaluated 2025-12-23.

Conditions:
Birt-Hogg-Dube syndrome 1 (BHD1). Also called: FIBROFOLLICULOMAS WITH TRICHODISCOMAS AND ACROCHORDONS. Identifiers: Orphanet 122, MedGen CN375946, MONDO:0800445, OMIM 135150.
Hereditary cancer-predisposing syndrome. Also called: Hereditary Cancer Syndrome; Neoplastic Syndromes, Hereditary; Hereditary neoplastic syndrome; Tumor predisposition. Identifiers: Orphanet 140162, MedGen C0027672, MeSH D009386, MONDO:0015356.
Birt-Hogg-Dube syndrome. Also called: Birt Hogg Dubé syndrome. Identifiers: Orphanet 122, MedGen C0346010, MONDO:0800444.

Allele frequency attached by ClinVar (database versions not stated): gnomAD exomes below 0.00001; gnomAD 0.00001.
gnomAD v4.1: 4 of 1,614,008 alleles (0.00025%); highest among the groups gnomAD compares: African/African-American, 0.0013%; no homozygotes.

Submissions (3):

Labcorp Genetics (formerly Invitae), Labcorp
Classification: Likely benign for Birt-Hogg-Dube syndrome. Last evaluated: 2025-12-23. Review status: criteria provided, single submitter. Criteria: Invitae Variant Classification Sherloc (09022015). Collection method: clinical testing. Allele origin: germline.

Myriad Genetics, Inc.
Classification: Benign for Birt-Hogg-Dube syndrome 1. Last evaluated: 2024-10-25. Review status: criteria provided, single submitter. Criteria: Myriad Autosomal Dominant, Autosomal Recessive and X-Linked Classification Criteria (2023). Collection method: clinical testing. Allele origin: unknown.
Comment: This variant is considered benign. This variant is a silent/synonymous amino acid change and it is not expected to impact splicing.

Ambry Genetics
Classification: Likely benign for Hereditary cancer-predisposing syndrome. Last evaluated: 2015-07-26. Review status: criteria provided, single submitter. Criteria: Ambry Variant Classification Scheme 2023. Collection method: clinical testing. Allele origin: germline.